The following is an entry in ClinVar:

NM_001267550.2(TTN):c.40633+1G>T

Gene: TTN (titin; minus strand). Cytogenetic location: 2q31.2.
Variant type: single nucleotide variant.
Coding change: c.40633+1G>T on transcript NM_001267550.2 (MANE Select); the canonical splice donor site of the intron after coding-DNA position 40633, G replaced by T.
Molecular consequence: splice donor variant.
Genome position (GRCh38, 1-based): chr2:178,641,240, C>A on the plus strand (G>T on the coding strand, the complement: TTN is on the minus strand). VCF-style: chr2-178641240-C-A. GRCh37 (hg19) VCF-style: chr2-179505967-C-A.
Other names: c.13438+1G>T (NM_003319.4); c.14014+1G>T (NM_133437.4); c.13813+1G>T (NM_133432.3); c.32929+1G>T (NM_133378.4); c.35710+1G>T (NM_001256850.1).
Identifiers: ClinVar variation 4790763 (VCV004790763.1).

ClinVar aggregate classification (germline): Likely pathogenic (1 of 4 stars; one submission).

Conditions:
Autosomal recessive limb-girdle muscular dystrophy type 2J (LGMDR10). Also called: Limb-girdle muscular dystrophy, type 2J; MUSCULAR DYSTROPHY, LIMB-GIRDLE, AUTOSOMAL RECESSIVE 10. Identifiers: Orphanet 140922, MedGen C1837342, MONDO:0012127, OMIM 608807.
Dilated cardiomyopathy 1G (CMD1G). Identifiers: Orphanet 154, MedGen C1858763, MONDO:0011400, OMIM 604145.

Submission:

Labcorp Genetics (formerly Invitae), Labcorp
Classification: Likely pathogenic for Dilated cardiomyopathy 1G; Autosomal recessive limb-girdle muscular dystrophy type 2J. Last evaluated: 2025-08-11. Review status: criteria provided, single submitter. Criteria: Invitae Variant Classification Sherloc (09022015). Collection method: clinical testing. Allele origin: germline.
Comment: This sequence change affects a donor splice site in intron 220 of the TTN gene. It is expected to disrupt RNA splicing and likely results in a truncated or disrupted TTN protein. This variant is not present in population databases (gnomAD no frequency). This variant has not been reported in the literature in individuals affected with TTN-related conditions. Algorithms developed to predict the effect of sequence changes on RNA splicing suggest that this variant may disrupt the consensus splice site. This variant is located in the I band of TTN (PMID: 25589632). Truncating variants in this region have been reported in individuals affected with autosomal recessive centronuclear myopathy (PMID: 23975875, internal data). Truncating variants in this region have also been identified in individuals affected with autosomal dominant dilated cardiomyopathy and/or cardio-related conditions (PMID: 27869827, 32964742, internal data). In summary, the currently available evidence indicates that the variant is pathogenic, but additional data are needed to prove that conclusively. Therefore, this variant has been classified as Likely Pathogenic.

Literature cited by the submitters: PubMed 25589632; PubMed 23975875; PubMed 27869827; PubMed 32964742.